The following is an entry in ClinVar:

ClinVar aggregate classification (germline): Likely benign (1 of 4 stars; one submission).

Conditions:
PDE6C-related disorder. Also called: PDE6C-related condition.

Submission:

PreventionGenetics, part of Exact Sciences
Classification: Likely benign for PDE6C-related condition. Last evaluated: 2025-08-24. Review status: criteria provided, single submitter. Criteria: ACMG Guidelines, 2015. Collection method: clinical testing. Allele origin: germline.
Comment: This variant is classified as likely benign based on ACMG/AMP sequence variant interpretation guidelines (Richards et al. 2015 PMID: 25741868, with internal and published modifications).

NM_006204.4(PDE6C):c.423G>A (p.Gly141=)

Gene: PDE6C (phosphodiesterase 6C; plus strand). Cytogenetic location: 10q23.33.
Variant type: single nucleotide variant.
Coding change: c.423G>A on transcript NM_006204.4 (MANE Select); coding-DNA position 423, G replaced by A.
Protein change: p.Gly141=; no amino-acid change (glycine 141 retained).
Molecular consequence: synonymous variant.
Genome position (GRCh38, 1-based): chr10:93,613,148, G>A. VCF-style: chr10-93613148-G-A. GRCh37 (hg19) VCF-style: chr10-95372905-G-A.
Identifiers: ClinVar variation 4996949 (VCV004996949.1).
Genomic context (GRCh38, chr10:93,613,148, plus strand): 5'-CAAGTTTGAGGACAACCTGGTGGGCCCTGACAAAGAAGTTGTGTTTCCATTGGACATTGG[G>A]ATAGTGGGTTGGGCTGCTCACACGAAGAAAACTCATAATGTCCCAGATGTGAAAAAGGTA-3'
Protein context (NP_006195.3, residues 131-151): DKEVVFPLDI[Gly141=]IVGWAAHTKK